The following is an entry in ClinVar:

NM_182643.3(DLC1):c.4274G>A (p.Arg1425Gln)

Gene: DLC1 (DLC1 Rho GTPase activating protein; minus strand). Cytogenetic location: 8p22.
Variant type: single nucleotide variant.
Coding change: c.4274G>A on transcript NM_182643.3 (MANE Select); coding-DNA position 4274, G replaced by A.
Protein change: p.Arg1425Gln; replaces arginine 1425 with glutamine.
Molecular consequence: missense variant.
Genome position (GRCh38, 1-based): chr8:13,088,505, C>T on the plus strand (G>A on the coding strand, the complement: DLC1 is on the minus strand). VCF-style: chr8-13088505-C-T. GRCh37 (hg19) VCF-style: chr8-12946014-C-T.
Other names: c.2741G>A, p.Arg914Gln (NM_001164271.2, NM_001348082.2, NM_001348083.1 and 1 more transcripts); c.3065G>A, p.Arg1022Gln (NM_001316668.2); c.4274G>A, p.Arg1425Gln (NM_001348081.2); c.2963G>A, p.Arg988Gln (NM_006094.5); short protein forms R1425Q, R988Q, R1022Q, R914Q.
Identifiers: ClinVar variation 1380122 (VCV001380122.7), dbSNP rs377127652, ClinGen allele CA4637986.
Genomic context (GRCh38, chr8:13,088,505, plus strand): 5'-GGAGTCATCCTTGTCACAAAAAAACAACTGGGAAGCGCTCACCTTAAAACAACGTAGTCT[C>T]GAGCAGGATGAGGTGCCATACTGTTTTGGACATACTGGTAAATTTCAGTTTGGCTGTCCA-3'
Protein context (NP_872584.2, residues 1415-1435): VQNSMAPHPA[Arg1425Gln]DYVVLRTWRT

ClinVar aggregate classification (germline): Uncertain significance. Review status: criteria provided, multiple submitters, no conflicts (2 of 4 stars). 2 submissions from 2 submitters: Uncertain significance (2). Last evaluated 2024-06-24.

Conditions:
Colorectal cancer. Also called: Malignant Colorectal Neoplasm; Colorectal cancer, somatic. Identifiers: MedGen C0346629, MONDO:0005575, OMIM 114500.

Allele frequency attached by ClinVar (database versions not stated): gnomAD 0.00003 and 0.00004; gnomAD exomes 0.00003 and 0.00006; TOPMed 0.00004; ExAC 0.00006; ESP Exome Variant Server 0.00008.
gnomAD v4.1: 54 of 1,614,064 alleles (0.0033%); highest among the groups gnomAD compares: South Asian, 0.0044%; no homozygotes.

Submissions (2):

Fulgent Genetics
Classification: Uncertain significance for Colorectal cancer. Last evaluated: 2024-06-24. Review status: criteria provided, single submitter. Criteria: ACMG Guidelines, 2015. Collection method: clinical testing. Allele origin: germline.

Labcorp Genetics (formerly Invitae), Labcorp
Classification: Uncertain significance. Last evaluated: 2021-11-16. Review status: criteria provided, single submitter. Criteria: Invitae Variant Classification Sherloc (09022015). Collection method: clinical testing. Allele origin: germline.
Comment: In summary, the available evidence is currently insufficient to determine the role of this variant in disease. Therefore, it has been classified as a Variant of Uncertain Significance. Algorithms developed to predict the effect of missense changes on protein structure and function are either unavailable or do not agree on the potential impact of this missense change (SIFT: "Deleterious"; PolyPhen-2: "Probably Damaging"; Align-GVGD: "Class C0"). This variant has not been reported in the literature in individuals affected with DLC1-related conditions. This variant is present in population databases (rs377127652, gnomAD 0.1%), and has an allele count higher than expected for a pathogenic variant. This sequence change replaces arginine, which is basic and polar, with glutamine, which is neutral and polar, at codon 1425 of the DLC1 protein (p.Arg1425Gln).